The following is an entry in ClinVar:

NM_000256.3(MYBPC3):c.332_335dup (p.Glu112delinsAspTer)

Gene: MYBPC3 (myosin binding protein C3; minus strand). Cytogenetic location: 11p11.2.
Variant type: Duplication.
Coding change: c.332_335dup on transcript NM_000256.3 (MANE Select); coding-DNA positions 332 to 335, 4 bases duplicated (CTGA; older notation c.332_335dupCTGA).
Protein change: p.Glu112delinsAspTer.
Molecular consequence: nonsense.
Genome position (GRCh38, 1-based): chr11:47,350,573-47,350,576, TCAG duplicated on the plus strand (CTGA on the coding strand, the reverse complement: MYBPC3 is on the minus strand). VCF-style (leftmost placement, unchanged base first): chr11-47350572-C-CTCAG. GRCh37 (hg19) VCF-style: chr11-47372123-C-CTCAG.
Other names: c.332_335dup, p.Glu112delinsAspTer (LRG_386t1).
Identifiers: ClinVar variation 254154 (VCV000254154.2), dbSNP rs886037901, ClinGen allele CA10586356.
Genomic context (GRCh38, chr11:47,350,572, plus strand): 5'-TGGGGCACTTTCTCCCAGCTCAGCGGCTGGGGCCGGGGCTTCTCCAGGGGCTCCAGTGGC[C>CTCAG]TCAGCAGGGGCAGGGGCAGGGGCCAGCATGGGCTCTGCCTTCTCTGGAGGGGATCAGATG-3'

ClinVar aggregate classification (germline): Pathogenic (1 of 4 stars; one submission).

Conditions:
Hypertrophic cardiomyopathy 4. Also called: Familial hypertrophic cardiomyopathy 4. Identifiers: MedGen C1861862, MONDO:0007268, OMIM 115197.

Submission:

Center for Medical Genetics Ghent, University of Ghent
Classification: Pathogenic for Hypertrophic cardiomyopathy 4. Last evaluated: 2016-01-01. Review status: criteria provided, single submitter. Criteria: ACMG Guidelines, 2015. Collection method: clinical testing. Allele origin: germline. Affected: yes.
Comment: This variant has not been identified in large population databases (Gnomad, 1000 Genomes, Go NL, Exome Variant Server) and is predicted to cause loss of normal protein function either through protein truncation or nonsense-mediated mRNA decay.